The following is an entry in ClinVar:

NM_001099403.2(PRDM8):c.1390C>T (p.Pro464Ser)

Gene: PRDM8 (PR/SET domain 8; plus strand). Cytogenetic location: 4q21.21.
Variant type: single nucleotide variant.
Coding change: c.1390C>T on transcript NM_001099403.2 (MANE Select); coding-DNA position 1390, C replaced by T.
Protein change: p.Pro464Ser; replaces proline 464 with serine.
Molecular consequence: missense variant.
Genome position (GRCh38, 1-based): chr4:80,202,852, C>T. VCF-style: chr4-80202852-C-T. GRCh37 (hg19) VCF-style: chr4-81124006-C-T.
Other names: c.1390C>T, p.Pro464Ser (NM_020226.4); short protein forms P464S.
Identifiers: ClinVar variation 475668 (VCV000475668.13), dbSNP rs201251555, ClinGen allele CA100000992.

ClinVar aggregate classification (germline): Benign. Review status: criteria provided, multiple submitters, no conflicts (2 of 4 stars). 2 submissions from 2 submitters: Benign (2). Last evaluated 2026-09-01.

Conditions:
Early-onset Lafora body disease. Also called: Epilepsy, progressive myoclonic, 10. Identifiers: Orphanet 324290, MedGen C4225258, MONDO:0014717, OMIM 616640.

Allele frequency attached by ClinVar (database versions not stated): 1000 Genomes Project 0.00359; TOPMed 0.00362; gnomAD 0.00373 and 0.00402; 1000 Genomes Project 30x 0.00406.
gnomAD v4.1: 917 of 1,233,840 alleles (0.074%); highest among the groups gnomAD compares: African/African-American, 1.3%; 10 homozygotes.

Submissions (2):

CeGaT Center for Human Genetics Tuebingen
Classification: Benign. Last evaluated: 2026-09-01. Review status: criteria provided, single submitter. Criteria: CeGaT Center For Human Genetics Tuebingen Variant Classification Criteria Version 2. Collection method: clinical testing. Allele origin: germline. Affected: yes. Observed: 1 variant allele.
Comment: PRDM8: BS1, BS2

Labcorp Genetics (formerly Invitae), Labcorp
Classification: Benign for Early-onset Lafora body disease. Last evaluated: 2026-01-19. Review status: criteria provided, single submitter. Criteria: Invitae Variant Classification Sherloc (09022015). Collection method: clinical testing. Allele origin: germline.